The following is an entry in ClinVar:

ClinVar aggregate classification (germline): Pathogenic (1 of 4 stars; one submission).

Conditions:
Breast-ovarian cancer, familial, susceptibility to, 1 (BROVCA1). Also called: BRCA1 Hereditary Breast and Ovarian Cancer; OVARIAN CANCER, SUSCEPTIBILITY TO. Identifiers: Orphanet 145, MedGen C2676676, MONDO:0011450, OMIM 604370. Disease mechanism: loss of function.

Submissions (2):

Myriad Genetics, Inc.
Classification: Pathogenic for Breast-ovarian cancer, familial, susceptibility to, 1. Last evaluated: 2023-08-22. Review status: criteria provided, single submitter. Criteria: Myriad Autosomal Dominant, Autosomal Recessive and X-Linked Classification Criteria (2023). Collection method: clinical testing. Allele origin: unknown.
Comment: This variant is considered pathogenic. This variant occurs within a consensus splice junction and is predicted to result in abnormal mRNA splicing of either an out-of-frame exon or an in-frame exon necessary for protein stability and/or normal function. This variant is strongly associated with more severe personal and family histories of cancer, typical for individuals with pathogenic variants in this gene [PMID: 25085752].

Brotman Baty Institute, University of Washington
No classification provided (evidence only). Condition: Breast-ovarian cancer, familial 1. Review status: no classification provided. Collection method: in vitro. Allele origin: not applicable. Functional consequence: functionally_abnormal. Not counted in ClinVar's aggregate classification.
ClinVar note: "not provided" was previously submitted as the classification for the variant. However, the classification appeared to be based only on an observation of functional data so it was converted to no classification on 2025-07-30.

Literature cited by the submitters: PubMed 25085752 (cited by Myriad Genetics, Inc.).

NM_007294.4(BRCA1):c.5194-2A>T

Gene: BRCA1 (BRCA1 DNA repair associated; minus strand). Cytogenetic location: 17q21.31.
Variant type: single nucleotide variant.
Coding change: c.5194-2A>T on transcript NM_007294.4 (MANE Select); the canonical splice acceptor site of the intron before coding-DNA position 5194, A replaced by T.
Molecular consequence: splice acceptor variant.
Genome position (GRCh38, 1-based): chr17:43,057,137, T>A on the plus strand (A>T on the coding strand, the complement: BRCA1 is on the minus strand). VCF-style: chr17-43057137-T-A. GRCh37 (hg19) VCF-style: chr17-41209154-T-A.
Other names: c.5071-2A>T (NM_001407937.1, NM_001407669.1, NM_001407666.1 and 6 more transcripts); c.1882-2A>T (NM_001407979.1, NM_001407982.1, NM_001407981.1 and 12 more transcripts); c.1885-2A>T (NM_001407977.1, NM_001407978.1, NM_001407976.1 and 3 more transcripts); c.5188-2A>T (NM_001407642.1, NM_001407634.1, NM_001407636.1 and 14 more transcripts); c.5191-2A>T (NM_001407625.1, NM_001407619.1, NM_001407610.1 and 17 more transcripts); c.5194-2A>T (NM_001407684.1, NM_001407594.1, NM_001407593.1 and 7 more transcripts); c.5257-2A>T (NM_001407583.1, NM_007300.4, NM_001407587.1 and 1 more transcripts); c.5053-2A>T (NM_001407724.1, NM_001407697.1, NM_001407728.1 and 13 more transcripts); and 72 more.
Identifiers: ClinVar variation 865149 (VCV000865149.4), dbSNP rs80358069, ClinGen allele CA10591150.